The following is an entry in ClinVar:

NM_000079.4(CHRNA1):c.119G>A (p.Arg40Gln)

Gene: CHRNA1 (cholinergic receptor nicotinic alpha 1 subunit; minus strand). Cytogenetic location: 2q31.1.
Variant type: single nucleotide variant.
Coding change: c.119G>A on transcript NM_000079.4 (MANE Select); coding-DNA position 119, G replaced by A.
Protein change: p.Arg40Gln; replaces arginine 40 with glutamine.
Molecular consequence: missense variant.
Genome position (GRCh38, 1-based): chr2:174,759,558, C>T on the plus strand (G>A on the coding strand, the complement: CHRNA1 is on the minus strand). VCF-style: chr2-174759558-C-T. GRCh37 (hg19) VCF-style: chr2-175624286-C-T.
Other names: c.119G>A, p.Arg40Gln (NM_001039523.3); short protein forms R40Q.
Identifiers: ClinVar variation 978631 (VCV000978631.8), dbSNP rs1180739514, ClinGen allele CA349344498.

ClinVar aggregate classification (germline): Uncertain significance. Review status: criteria provided, multiple submitters, no conflicts (2 of 4 stars). 2 submissions from 2 submitters: Uncertain significance (2). Last evaluated 2024-01-26.

Conditions:
Lethal multiple pterygium syndrome (LMPS). Identifiers: Orphanet 33108, MedGen C1854678, MONDO:0009668, OMIM 253290.
Pleural effusion. Identifiers: MedGen C0032227, HP:0002202.
Fetal ascites. Identifiers: MedGen C1285291, HP:0001791.
Hydrops fetalis. Identifiers: Orphanet 1041, MedGen C0020305, MONDO:0015193, HP:0001789.

Allele frequency attached by ClinVar (database versions not stated): gnomAD exomes 0.00001; TOPMed 0.00001.
gnomAD v4.1: 12 of 1,613,880 alleles (0.00074%); highest among the groups gnomAD compares: East Asian, 0.0022%; no homozygotes.

Submissions (2):

Labcorp Genetics (formerly Invitae), Labcorp
Classification: Uncertain significance for Lethal multiple pterygium syndrome. Last evaluated: 2024-01-26. Review status: criteria provided, single submitter. Criteria: Invitae Variant Classification Sherloc (09022015). Collection method: clinical testing. Allele origin: germline.
Comment: This sequence change replaces arginine, which is basic and polar, with glutamine, which is neutral and polar, at codon 40 of the CHRNA1 protein (p.Arg40Gln). This variant is present in population databases (no rsID available, gnomAD 0.003%). This missense change has been observed in individual(s) with clinical features of autosomal recessive congenital myasthenic syndrome and/or congenital myasthenic syndrome (PMID: 31680349, 36634413). ClinVar contains an entry for this variant (Variation ID: 978631). Advanced modeling of protein sequence and biophysical properties (such as structural, functional, and spatial information, amino acid conservation, physicochemical variation, residue mobility, and thermodynamic stability) performed at Invitae indicates that this missense variant is not expected to disrupt CHRNA1 protein function with a negative predictive value of 80%. In summary, the available evidence is currently insufficient to determine the role of this variant in disease. Therefore, it has been classified as a Variant of Uncertain Significance.

Center for Reproductive Medicine, Peking University Third Hospital
Classification: Uncertain significance for Hydrops fetalis; Fetal ascites; Pleural effusion. Last evaluated: 2019-10-16. Review status: criteria provided, single submitter. Criteria: ACMG Guidelines, 2015. Collection method: clinical testing. Allele origin: germline. Affected: yes.

Literature cited by the submitters: PubMed 31680349 (cited by Labcorp Genetics (formerly Invitae), Labcorp and Center for Reproductive Medicine, Peking University Third Hospital); PubMed 36634413 (cited by Labcorp Genetics (formerly Invitae), Labcorp); PubMed 30177536 (cited by Center for Reproductive Medicine, Peking University Third Hospital).